The following is an entry in ClinVar:

NM_002834.5(PTPN11):c.1448-5C>T

Gene: PTPN11 (protein tyrosine phosphatase non-receptor type 11; plus strand). Cytogenetic location: 12q24.13.
Variant type: single nucleotide variant.
Coding change: c.1448-5C>T on transcript NM_002834.5 (MANE Select); 5 bases into the intron before coding-DNA position 1448, C replaced by T.
Molecular consequence: intron variant.
Genome position (GRCh38, 1-based): chr12:112,489,019, C>T. VCF-style: chr12-112489019-C-T. GRCh37 (hg19) VCF-style: chr12-112926823-C-T.
Other names: c.1460-5C>T (NM_001330437.2); c.1445-5C>T (NM_001374625.1).
Identifiers: ClinVar variation 505253 (VCV000505253.18), dbSNP rs554790621, ClinGen allele CA6798799.
Genomic context (GRCh38, chr12:112,489,019, plus strand): 5'-TGCATTAAACAACTTCATCCTGGCTCTGCAGTTTCTCTTTATTCTTCATGATGTTTCCTT[C>T]GTAGGTGTTGACTGCGATATTGACGTTCCCAAAACCATCCAGATGGTGCGGTCTCAGAGG-3'

ClinVar aggregate classification (germline): Conflicting classifications of pathogenicity. Review status: criteria provided, conflicting classifications (1 of 4 stars). 4 submissions from 4 submitters: Uncertain significance (1); Likely benign (3). Last evaluated 2026-01-13.

Conditions:
Cardiovascular phenotype. Identifiers: MedGen CN230736.
RASopathy. Also called: Noonan spectrum disorder; rasopathies. Identifiers: Orphanet 536391, MedGen C5555857, MONDO:0021060.

Allele frequency attached by ClinVar (database versions not stated): gnomAD below 0.00001 and 0.00001; TOPMed 0.00001; ExAC 0.00002; gnomAD exomes 0.00002; 1000 Genomes Project 30x 0.00016; 1000 Genomes Project 0.00020.
gnomAD v4.1: 27 of 1,613,136 alleles (0.0017%); highest among the groups gnomAD compares: South Asian, 0.0099%; no homozygotes.

Submissions (4):

Labcorp Genetics (formerly Invitae), Labcorp
Classification: Likely benign for RASopathy. Last evaluated: 2026-01-13. Review status: criteria provided, single submitter. Criteria: Invitae Variant Classification Sherloc (09022015). Collection method: clinical testing. Allele origin: germline.

Ambry Genetics
Classification: Uncertain significance for Cardiovascular phenotype. Last evaluated: 2024-05-14. Review status: criteria provided, single submitter. Criteria: Ambry Variant Classification Scheme 2023. Collection method: clinical testing. Allele origin: germline.
Comment: The c.1448-5C>T intronic variant results from a C to T substitution 5 nucleotides upstream from coding exon 13 in the PTPN11 gene. This nucleotide position is poorly conserved in available vertebrate species. In silico splice site analysis predicts that this alteration will not have any significant effect on splicing. Based on the available evidence, the clinical significance of this variant remains unclear.

Women's Health and Genetics/Laboratory Corporation of America, LabCorp
Classification: Likely benign. Last evaluated: 2017-09-05. Review status: criteria provided, single submitter. Criteria: LabCorp Variant Classification Summary - May 2015. Collection method: clinical testing. Allele origin: germline.
Comment: Variant summary: c.1448-5C>T in PTPN11 gene is an intronic change that involves a non-conserved nucleotide. 5/5 programs in Alamut indicate this variant to strengthen a canonical acceptor site, however no functional studies supporting these predictions were published at the time of evaluation. The variant is present in the control population datasets of ExAC and gnomAD at frequency of 0.00002 (2/121396 and 5/246180 chrs tested, respectively), exclusively in individuals of South Asian descent (0.00016; 2/16512 and 5/30782, chrs respectively). The observed individual frequencies exceed the maximum expected allele frequency for a pathogenic variant of 0.0000625, suggesting the variant is likely to be an ethnic polymorphism. The variant of interest has not, to our knowledge, been cited by published reports or reputable databases/clinical laboratories. Taking together the variant was classified as Likely Benign until more data become available.

Laboratory for Molecular Medicine, Mass General Brigham Personalized Medicine
Classification: Likely benign. Last evaluated: 2016-07-29. Review status: criteria provided, single submitter. Criteria: LMM Criteria. Collection method: clinical testing. Allele origin: germline. Observed: 1 variant allele.
Comment: c.1448-5C>T in intron 12 of PTPN11: This variant is not expected to have clinica l significance because a C>T change at this position does not diverge from the s plice consensus sequence and is therefore unlikely to impact splicing. It has be en identified in 2/16512 South Asian chromosomes by the Exome Aggregation Consor tium (ExAC; dbSNP rs554790621).